The following is an entry in ClinVar:

NC_000008.10:g.(?_100821603)_(100821758_?)del

Gene: VPS13B (vacuolar protein sorting 13 homolog B; plus strand). Cytogenetic location: 8q22.2.
Variant type: Deletion.
Identifiers: ClinVar variation 1067842 (VCV001067842.1).

ClinVar aggregate classification (germline): Likely pathogenic (1 of 4 stars; one submission).

Conditions:
Cohen syndrome (COH1). Also called: PEPPER SYNDROME; Cutis verticis gyrata, retinitis pigmentosa, and sensorineural deafness. Identifiers: Orphanet 193, MedGen C0265223, MONDO:0008999, OMIM 216550.

Submission:

Labcorp Genetics (formerly Invitae), Labcorp
Classification: Likely pathogenic for Cohen syndrome. Last evaluated: 2020-02-07. Review status: criteria provided, single submitter. Criteria: Invitae Variant Classification Sherloc (09022015). Collection method: clinical testing. Allele origin: germline.
Comment: This variant is an in-frame deletion of the genomic region encompassing exon 44 of the VPS13B gene. It preserves the integrity of the reading frame. This variant has been observed in combination with another VPS13B variant in an individual with Cohen syndrome (PMID: 24334746). In summary, the currently available evidence indicates that the variant is pathogenic, but additional data are needed to prove that conclusively. Therefore, this variant has been classified as Likely Pathogenic.

Literature cited by the submitters: PubMed 24334746.